The following is an entry in ClinVar:

NM_000283.4(PDE6B):c.893A>C (p.Gln298Pro)

Genes: PDE6B (phosphodiesterase 6B; plus strand), PDE6B-AS1 (PDE6B antisense RNA 1; minus strand). Cytogenetic location: 4p16.3.
Variant type: single nucleotide variant.
Coding change: c.893A>C on transcript NM_000283.4 (MANE Select); coding-DNA position 893, A replaced by C.
Protein change: p.Gln298Pro; replaces glutamine 298 with proline.
Molecular consequence: missense variant. On other transcripts: non-coding transcript variant (1), 5 prime UTR variant (1).
Genome position (GRCh38, 1-based): chr4:654,120, A>C. VCF-style: chr4-654120-A-C. GRCh37 (hg19) VCF-style: chr4-647909-A-C.
Other names: c.893A>C, p.Gln298Pro (NM_001145291.2); c.56A>C, p.Gln19Pro (NM_001145292.2, NM_001350154.3, NM_001379246.1 and 1 more transcripts); c.-148A>C (NM_001350155.3); short protein forms Q19P, Q298P.
Identifiers: ClinVar variation 3622122 (VCV003622122.2).

ClinVar aggregate classification (germline): Uncertain significance (1 of 4 stars; one submission).

gnomAD v4.1: 8 of 1,613,880 alleles (0.0005%); highest among the groups gnomAD compares: South Asian, 0.0088%; no homozygotes.

Submission:

Labcorp Genetics (formerly Invitae), Labcorp
Classification: Uncertain significance. Last evaluated: 2024-07-16. Review status: criteria provided, single submitter. Criteria: Invitae Variant Classification Sherloc (09022015). Collection method: clinical testing. Allele origin: germline.
Comment: This sequence change replaces glutamine, which is neutral and polar, with proline, which is neutral and non-polar, at codon 298 of the PDE6B protein (p.Gln298Pro). This variant is present in population databases (no rsID available, gnomAD 0.003%). This variant has not been reported in the literature in individuals affected with PDE6B-related conditions. An algorithm developed to predict the effect of missense changes on protein structure and function outputs the following: PolyPhen-2: "Benign". The proline amino acid residue is found in multiple mammalian species, which suggests that this missense change does not adversely affect protein function. In summary, the available evidence is currently insufficient to determine the role of this variant in disease. Therefore, it has been classified as a Variant of Uncertain Significance.